The following is an entry in ClinVar:

NM_138694.4(PKHD1):c.8455C>T (p.Pro2819Ser)

Gene: PKHD1 (PKHD1 ciliary IPT domain containing fibrocystin/polyductin; minus strand). Cytogenetic location: 6p12.3.
Variant type: single nucleotide variant.
Coding change: c.8455C>T on transcript NM_138694.4 (MANE Select); coding-DNA position 8455, C replaced by T.
Protein change: p.Pro2819Ser; replaces proline 2819 with serine.
Molecular consequence: missense variant.
Genome position (GRCh38, 1-based): chr6:51,775,907, G>A on the plus strand (C>T on the coding strand, the complement: PKHD1 is on the minus strand). VCF-style: chr6-51775907-G-A. GRCh37 (hg19) VCF-style: chr6-51640705-G-A.
Other names: c.8455C>T (NM_138694.3); c.8455C>T, p.Pro2819Ser (NM_170724.3); short protein forms P2819S.
Identifiers: ClinVar variation 287931 (VCV000287931.7), dbSNP rs886043763, ClinGen allele CA10605917.

ClinVar aggregate classification (germline): Uncertain significance. Review status: criteria provided, multiple submitters, no conflicts (2 of 4 stars). 3 submissions from 3 submitters: Uncertain significance (3). Last evaluated 2024-05-14.

Conditions:
PKHD1-related disorder. Also called: PKHD1-related condition.
Polycystic kidney disease 4 (PKD4). Also called: POLYCYSTIC KIDNEY DISEASE 4 WITH OR WITHOUT POLYCYSTIC LIVER DISEASE; PKD3; Autosomal Recessive Polycystic Kidney Disease – PKHD1; POLYCYSTIC KIDNEY AND HEPATIC DISEASE 1; POLYCYSTIC KIDNEY DISEASE, INFANTILE, TYPE I. Identifiers: MedGen C4540575, MONDO:0033004, OMIM 263200.

Allele frequency attached by ClinVar (database versions not stated): gnomAD exomes below 0.00001.
gnomAD v4.1: 3 of 1,549,632 alleles (0.00019%); highest among the groups gnomAD compares: Non-Finnish European, 0.00018%; no homozygotes.

Submissions (3):

Fulgent Genetics
Classification: Uncertain significance for Polycystic kidney disease 4. Last evaluated: 2024-05-14. Review status: criteria provided, single submitter. Criteria: ACMG Guidelines, 2015. Collection method: clinical testing. Allele origin: germline.

PreventionGenetics, part of Exact Sciences
Classification: Uncertain significance for PKHD1-related condition. Last evaluated: 2023-08-10. Review status: criteria provided, single submitter. Criteria: ACMG Guidelines, 2015. Collection method: clinical testing. Allele origin: germline.
Comment: The PKHD1 c.8455C>T variant is predicted to result in the amino acid substitution p.Pro2819Ser. To our knowledge, this variant has not been reported in the literature or in a large population database, indicating this variant is rare. At this time, the clinical significance of this variant is uncertain due to the absence of conclusive functional and genetic evidence.

Eurofins Ntd Llc (ga)
Classification: Uncertain significance. Last evaluated: 2016-05-04. Review status: criteria provided, single submitter. Criteria: EGL Classification Definitions 2015. Collection method: clinical testing. Allele origin: germline. Observed: 1 variant allele, 1 heterozygote.